The following is an entry in ClinVar:

NM_000211.5(ITGB2):c.846C>T (p.Asn282=)

Gene: ITGB2 (integrin subunit beta 2; minus strand). Cytogenetic location: 21q22.3.
Variant type: single nucleotide variant.
Coding change: c.846C>T on transcript NM_000211.5 (MANE Select); coding-DNA position 846, C replaced by T.
Protein change: p.Asn282=; no amino-acid change (asparagine 282 retained).
Molecular consequence: synonymous variant.
Genome position (GRCh38, 1-based): chr21:44,900,371, G>A on the plus strand (C>T on the coding strand, the complement: ITGB2 is on the minus strand). VCF-style: chr21-44900371-G-A. GRCh37 (hg19) VCF-style: chr21-46320286-G-A.
Other names: c.846C>T (NM_000211.4); c.846C>T, p.Asn282= (NM_001127491.3); c.639C>T, p.Asn213= (NM_001303238.2).
Identifiers: ClinVar variation 1161415 (VCV001161415.12), dbSNP rs767870813, ClinGen allele CA10063042.
Genomic context (GRCh38, chr21:44,900,371, plus strand): 5'-GGGACTTACGAATTCGTTGCTCCTCTTGTACAAGTTGTCCTCCAGGTGACAGCGGCCGTC[G>A]TTGGGGGTCAGGATGGCGCCCAGCTTCCCGTCGCCCGCGAAATGGAAGCCGTCATCAGTG-3'
Protein context (NP_000202.3, residues 272-292): DGKLGAILTP[Asn282=]DGRCHLEDNL

ClinVar aggregate classification (germline): Likely benign. Review status: criteria provided, multiple submitters, no conflicts (2 of 4 stars). 3 submissions from 3 submitters: Likely benign (2). 1 of the submissions does not count toward it. Last evaluated 2025-06-11.

Conditions:
ITGB2-related disorder. Also called: ITGB2-related condition.
Leukocyte adhesion deficiency 1 (LAD1). Also called: LAD 1; Lymphocyte function-associated antigen 1 immunodeficiency; LFA 1 immunodeficiency; LEUKOCYTE ADHESION DEFICIENCY, TYPE I. Identifiers: Orphanet 2968, Orphanet 99842, MedGen C0398738, MONDO:0007293, OMIM 116920.

Allele frequency attached by ClinVar (database versions not stated): gnomAD 0.00001 and 0.00003; TOPMed 0.00002; ExAC 0.00003; gnomAD exomes 0.00003 and 0.00004.
gnomAD v4.1: 45 of 1,614,076 alleles (0.0028%); highest among the groups gnomAD compares: South Asian, 0.023%; 2 homozygotes.

Submissions (3):

Labcorp Genetics (formerly Invitae), Labcorp
Classification: Likely benign for Leukocyte adhesion deficiency 1. Last evaluated: 2025-06-11. Review status: criteria provided, single submitter. Criteria: Invitae Variant Classification Sherloc (09022015). Collection method: clinical testing. Allele origin: germline.

Blueprint Genetics
Classification: Likely benign. Last evaluated: 2023-10-10. Review status: criteria provided, single submitter. Criteria: ACMG Guidelines, 2015. Collection method: clinical testing. Allele origin: germline.

PreventionGenetics, part of Exact Sciences
Classification: Likely benign for ITGB2-related condition. Last evaluated: 2021-12-16. Review status: no assertion criteria provided. Collection method: clinical testing. Allele origin: germline. Not counted in ClinVar's aggregate classification.
Comment: This variant is classified as likely benign based on ACMG/AMP sequence variant interpretation guidelines (Richards et al. 2015 PMID: 25741868, with internal and published modifications).